The following is an entry in ClinVar:

ClinVar aggregate classification (germline): Uncertain significance. Review status: criteria provided, multiple submitters, no conflicts (2 of 4 stars). 3 submissions from 3 submitters: Uncertain significance (3). Last evaluated 2026-01-23.

Allele frequency attached by ClinVar (database versions not stated): ExAC 0.00013; gnomAD exomes 0.00014 and 0.00053; 1000 Genomes Project 30x 0.00016; 1000 Genomes Project 0.00020; TOPMed 0.00022; gnomAD 0.00026; ESP Exome Variant Server 0.00054.
gnomAD v4.1: 828 of 1,614,048 alleles (0.051%); highest among the groups gnomAD compares: Non-Finnish European, 0.065%; no homozygotes.

Submissions (3):

Women's Health and Genetics/Laboratory Corporation of America, LabCorp
Classification: Uncertain significance. Last evaluated: 2026-01-23. Review status: criteria provided, single submitter. Criteria: LabCorp Variant Classification Summary - May 2015. Collection method: clinical testing. Allele origin: germline.

Labcorp Genetics (formerly Invitae), Labcorp
Classification: Uncertain significance. Last evaluated: 2022-09-07. Review status: criteria provided, single submitter. Criteria: Invitae Variant Classification Sherloc (09022015). Collection method: clinical testing. Allele origin: germline.
Comment: This sequence change replaces arginine, which is basic and polar, with glutamine, which is neutral and polar, at codon 53 of the LAT protein (p.Arg53Gln). This variant is present in population databases (rs150635404, gnomAD 0.03%). This variant has not been reported in the literature in individuals affected with LAT-related conditions. ClinVar contains an entry for this variant (Variation ID: 1434818). Algorithms developed to predict the effect of missense changes on protein structure and function (SIFT, PolyPhen-2, Align-GVGD) all suggest that this variant is likely to be tolerated. In summary, the available evidence is currently insufficient to determine the role of this variant in disease. Therefore, it has been classified as a Variant of Uncertain Significance.

Ambry Genetics
Classification: Uncertain significance. Last evaluated: 2021-08-23. Review status: criteria provided, single submitter. Criteria: Ambry Variant Classification Scheme 2023. Collection method: clinical testing. Allele origin: germline.

NM_001014987.2(LAT):c.158G>A (p.Arg53Gln)

Gene: LAT (linker for activation of T cells; plus strand). Cytogenetic location: 16p11.2.
Variant type: single nucleotide variant.
Coding change: c.158G>A on transcript NM_001014987.2 (MANE Select); coding-DNA position 158, G replaced by A.
Protein change: p.Arg53Gln; replaces arginine 53 with glutamine.
Molecular consequence: missense variant.
Genome position (GRCh38, 1-based): chr16:28,985,883, G>A. VCF-style: chr16-28985883-G-A. GRCh37 (hg19) VCF-style: chr16-28997204-G-A.
Other names: c.266G>A (NM_001014989.1); c.158G>A, p.Arg53Gln (NM_001014988.2, NM_014387.4); c.266G>A, p.Arg89Gln (NM_001014989.2); short protein forms R89Q, R53Q.
Identifiers: ClinVar variation 1434818 (VCV001434818.7), dbSNP rs150635404, ClinGen allele CA7989861.
Genomic context (GRCh38, chr16:28,985,883, plus strand): 5'-CCCCATCCCCAAGCTGTGTCTCCTTTACCAGTTTGTATCCAAGGGGCATCCAGTTCAAAC[G>A]GCCTCGTGAGTACAAGGAGGGTCCCCTACCTTGGGTGCCAGGGAGAGGGTCCCCTGGTGT-3'
Protein context (NP_001014987.1, residues 43-63): SLYPRGIQFK[Arg53Gln]PHTVAPWPPA